The following is an entry in ClinVar:

ClinVar aggregate classification (germline): Conflicting classifications of pathogenicity. Review status: criteria provided, conflicting classifications (1 of 4 stars). 2 submissions from 2 submitters: Pathogenic (1); Uncertain significance (1). Last evaluated 2024-04-24.

Conditions:
Cardiovascular phenotype. Identifiers: MedGen CN230736.
Telangiectasia, hereditary hemorrhagic, type 2 (HHT2). Also called: ACVRL1-Related Hereditary Hemorrhagic Telangiectasia; Telangiectasia, hereditary hemorrhagic, type II. Identifiers: Orphanet 774, MedGen C1838163, MONDO:0010880, OMIM 600376. Disease mechanism: loss of function.

gnomAD v4.1: 1 of 1,614,112 alleles (0.000062%); no homozygotes.

Submissions (2):

Labcorp Genetics (formerly Invitae), Labcorp
Classification: Pathogenic for Telangiectasia, hereditary hemorrhagic, type 2. Last evaluated: 2024-04-24. Review status: criteria provided, single submitter. Criteria: Invitae Variant Classification Sherloc (09022015). Collection method: clinical testing. Allele origin: germline.
Comment: This sequence change replaces proline, which is neutral and non-polar, with leucine, which is neutral and non-polar, at codon 433 of the ACVRL1 protein (p.Pro433Leu). This variant is not present in population databases (gnomAD no frequency). This missense change has been observed in individual(s) with hereditary hemorrhagic telangiectasia (PMID: 31594285). It has also been observed to segregate with disease in related individuals. ClinVar contains an entry for this variant (Variation ID: 1769271). Advanced modeling of protein sequence and biophysical properties (such as structural, functional, and spatial information, amino acid conservation, physicochemical variation, residue mobility, and thermodynamic stability) performed at Invitae indicates that this missense variant is expected to disrupt ACVRL1 protein function with a positive predictive value of 95%. This variant disrupts the p.Pro433 amino acid residue in ACVRL1. Other variant(s) that disrupt this residue have been determined to be pathogenic (PMID: 15517393, 16123970). This suggests that this residue is clinically significant, and that variants that disrupt this residue are likely to be disease-causing. For these reasons, this variant has been classified as Pathogenic.

Ambry Genetics
Classification: Uncertain significance for Cardiovascular phenotype. Last evaluated: 2015-09-01. Review status: criteria provided, single submitter. Criteria: Ambry Variant Classification Scheme 2023. Collection method: clinical testing. Allele origin: germline.
Comment: The p.P433L variant (also known as c.1298C>T), located in coding exon 8 of the ACVRL1 gene, results from a C to T substitution at nucleotide position 1298. The proline at codon 433 is replaced by leucine, an amino acid with some similar properties. A different variant, which is likely to be pathogenic, affecting the same codon (c.1297C>T p.P433S) has been described in an individual meeting Curacao criteria for HHT (Letteboer TG et al. Hum. Genet. 2005;116:8-16), and it was also found to segregate with disease in a different family with HHT (Argyriou L et al. Liver Transpl. 2005;11:1132-5). The p.P433L variant was not reported in population based cohorts in the following databases: Database of Single Nucleotide Polymorphisms (dbSNP), NHLBI Exome Sequencing Project (ESP), and 1000 Genomes Project. In the ESP, this variant was not observed in 6503 samples (13006 alleles) with coverage at this position. This amino acid position is highly conserved in available vertebrate species. In addition, this alteration is predicted to be deleterious by in silico analysis. Since supporting evidence is limited at this time, the clinical significance of p.P433L remains unclear.

Literature cited by the submitters: PubMed 31594285 (cited by Labcorp Genetics (formerly Invitae), Labcorp); PubMed 15517393 (cited by Labcorp Genetics (formerly Invitae), Labcorp); PubMed 16123970 (cited by Labcorp Genetics (formerly Invitae), Labcorp).

NM_000020.3(ACVRL1):c.1298C>T (p.Pro433Leu)

Gene: ACVRL1 (activin A receptor like type 1; plus strand). Cytogenetic location: 12q13.13.
Variant type: single nucleotide variant.
Coding change: c.1298C>T on transcript NM_000020.3 (MANE Select); coding-DNA position 1298, C replaced by T.
Protein change: p.Pro433Leu; replaces proline 433 with leucine.
Molecular consequence: missense variant.
Genome position (GRCh38, 1-based): chr12:51,919,036, C>T. VCF-style: chr12-51919036-C-T. GRCh37 (hg19) VCF-style: chr12-52312820-C-T.
Other names: c.1298C>T, p.Pro433Leu (NM_001077401.2, NM_001406487.1, NM_001406488.1 and 1 more transcripts); c.1142C>T, p.Pro381Leu (NM_001406490.1); c.986C>T, p.Pro329Leu (NM_001406491.1, NM_001406492.1, NM_001406493.1); c.788C>T, p.Pro263Leu (NM_001406494.1); c.734C>T, p.Pro245Leu (NM_001406495.1); short protein forms P263L, P329L, P245L, P381L, P433L.
Identifiers: ClinVar variation 1769271 (VCV001769271.4), dbSNP rs1940907270, ClinGen allele CA384903919.